The following is an entry in ClinVar:

ClinVar aggregate classification (germline): Uncertain significance (1 of 4 stars; one submission).

Conditions:
Hereditary cancer-predisposing syndrome. Also called: Neoplastic Syndromes, Hereditary; Tumor predisposition; Hereditary neoplastic syndrome; Hereditary Cancer Syndrome. Identifiers: Orphanet 140162, MedGen C0027672, MeSH D009386, MONDO:0015356.

gnomAD v4.1: 1 of 1,612,892 alleles (0.000062%); highest among the groups gnomAD compares: Non-Finnish European, 0.000085%; no homozygotes.

Submission:

Ambry Genetics
Classification: Uncertain significance for Hereditary cancer-predisposing syndrome. Last evaluated: 2019-11-20. Review status: criteria provided, single submitter. Criteria: Ambry Variant Classification Scheme 2023. Collection method: clinical testing. Allele origin: germline.
Comment: The p.V1255L variant (also known as c.3763G>C), located in coding exon 30 of the TSC2 gene, results from a G to C substitution at nucleotide position 3763. The valine at codon 1255 is replaced by leucine, an amino acid with highly similar properties. This amino acid position is highly conserved in available vertebrate species. In addition, the in silico prediction for this alteration is inconclusive. Since supporting evidence is limited at this time, the clinical significance of this alteration remains unclear.

NM_000548.5(TSC2):c.3763G>C (p.Val1255Leu)

Gene: TSC2 (TSC complex subunit 2; plus strand). Cytogenetic location: 16p13.3.
Variant type: single nucleotide variant.
Coding change: c.3763G>C on transcript NM_000548.5 (MANE Select); coding-DNA position 3763, G replaced by C.
Protein change: p.Val1255Leu; replaces valine 1255 with leucine.
Molecular consequence: missense variant.
Genome position (GRCh38, 1-based): chr16:2,081,747, G>C. VCF-style: chr16-2081747-G-C. GRCh37 (hg19) VCF-style: chr16-2131748-G-C.
Other names: c.3631G>C, p.Val1211Leu (NM_001077183.3, NM_001370404.1); c.3763G>C, p.Val1255Leu (NM_001114382.3); c.3523G>C, p.Val1175Leu (NM_001318827.2); c.3487G>C, p.Val1163Leu (NM_001318829.2); c.3031G>C, p.Val1011Leu (NM_001318831.2); c.3664G>C, p.Val1222Leu (NM_001318832.2); c.3634G>C, p.Val1212Leu (NM_001363528.2, NM_001370405.1, NM_021055.3); short protein forms V1163L, V1175L, V1222L, V1255L, V1211L, V1212L, V1011L.
Identifiers: ClinVar variation 824177 (VCV000824177.4), dbSNP rs1596400585, ClinGen allele CA394293224.